The following is an entry in ClinVar:

ClinVar aggregate classification (germline): Uncertain significance (1 of 4 stars; one submission).

Allele frequency attached by ClinVar (database versions not stated): gnomAD exomes below 0.00001; TOPMed below 0.00001; gnomAD 0.00001.
gnomAD v4.1: 2 of 1,541,794 alleles (0.00013%); highest among the groups gnomAD compares: Non-Finnish European, 0.00017%; no homozygotes.

Submission:

Labcorp Genetics (formerly Invitae), Labcorp
Classification: Uncertain significance. Last evaluated: 2023-11-27. Review status: criteria provided, single submitter. Criteria: Invitae Variant Classification Sherloc (09022015). Collection method: clinical testing. Allele origin: germline.
Comment: This sequence change replaces glycine, which is neutral and non-polar, with aspartic acid, which is acidic and polar, at codon 65 of the FLVCR1 protein (p.Gly65Asp). This variant is not present in population databases (gnomAD no frequency). This variant has not been reported in the literature in individuals affected with FLVCR1-related conditions. ClinVar contains an entry for this variant (Variation ID: 1403839). Algorithms developed to predict the effect of missense changes on protein structure and function output the following: SIFT: "Not Available"; PolyPhen-2: "Benign"; Align-GVGD: "Not Available". The aspartic acid amino acid residue is found in multiple mammalian species, which suggests that this missense change does not adversely affect protein function. In summary, the available evidence is currently insufficient to determine the role of this variant in disease. Therefore, it has been classified as a Variant of Uncertain Significance.

NM_014053.4(FLVCR1):c.194G>A (p.Gly65Asp)

Genes: FLVCR1 (FLVCR choline and heme transporter 1; plus strand), LOC129932486 (ATAC-STARR-seq lymphoblastoid silent region 1807; plus strand). Cytogenetic location: 1q32.3.
Variant type: single nucleotide variant.
Coding change: c.194G>A on transcript NM_014053.4 (MANE Select); coding-DNA position 194, G replaced by A.
Protein change: p.Gly65Asp; replaces glycine 65 with aspartic acid.
Molecular consequence: missense variant.
Genome position (GRCh38, 1-based): chr1:212,858,646, G>A. VCF-style: chr1-212858646-G-A. GRCh37 (hg19) VCF-style: chr1-213031988-G-A.
Other names: short protein forms G65D.
Identifiers: ClinVar variation 1403839 (VCV001403839.8), dbSNP rs1664107087, ClinGen allele CA344795485.
Genomic context (GRCh38, chr1:212,858,646, plus strand): 5'-GCACCTTCCCGGTGAATGGGGCCCCCCGGGACAGCCTCGCTGCCGCCTCGGGAGTTCTGG[G>A]CGGGCCTCAGACTCCACTGGCCCCAGAAGAGGAGACCCAGGCCCGGCTGCTGCCTGCGGG-3'
Protein context (NP_054772.1, residues 55-75): DSLAAASGVL[Gly65Asp]GPQTPLAPEE